The following is an entry in ClinVar:

NM_016188.5(ACTL6B):c.1184C>G (p.Ser395Cys)

Gene: ACTL6B (actin like 6B; minus strand). Cytogenetic location: 7q22.1.
Variant type: single nucleotide variant.
Coding change: c.1184C>G on transcript NM_016188.5 (MANE Select); coding-DNA position 1184, C replaced by G.
Protein change: p.Ser395Cys; replaces serine 395 with cysteine.
Molecular consequence: missense variant. On other transcripts: non-coding transcript variant (1).
Genome position (GRCh38, 1-based): chr7:100,646,265, G>C on the plus strand (C>G on the coding strand, the complement: ACTL6B is on the minus strand). VCF-style: chr7-100646265-G-C. GRCh37 (hg19) VCF-style: chr7-100243888-G-C.
Other names: short protein forms S395C.
Identifiers: ClinVar variation 3052141 (VCV003052141.2), dbSNP rs1485296559, ClinGen allele CA368541707.
Genomic context (GRCh38, chr7:100,646,265, plus strand): 5'-CTCTCCCCCACAGTCAGTGCTAGGCCAGGTCCCTTTCCTCTCACCAGTGAGGCCAGGATG[G>C]AACCCCCGATCCAGGGGCTGAACTTGCGCTCCATGGTGCTGTTGCTGGCAATGAGTTTCA-3'
Protein context (NP_057272.1, residues 385-405): ERKFSPWIGG[Ser395Cys]ILASLGTFQQ

ClinVar aggregate classification (germline): Uncertain significance (0 of 4 stars; one submission).

Conditions:
ACTL6B-related disorder. Also called: ACTL6B-related condition.

Submission:

PreventionGenetics, part of Exact Sciences
Classification: Uncertain significance for ACTL6B-related condition. Last evaluated: 2024-01-03. Review status: no assertion criteria provided. Collection method: clinical testing. Allele origin: germline.
Comment: The ACTL6B c.1184C>G variant is predicted to result in the amino acid substitution p.Ser395Cys. To our knowledge, this variant has not been reported in the literature or in a large population database, indicating this variant is rare. At this time, the clinical significance of this variant is uncertain due to the absence of conclusive functional and genetic evidence.